The following is an entry in ClinVar:

NM_015338.6(ASXL1):c.3866G>A (p.Arg1289Gln)

Gene: ASXL1 (ASXL transcriptional regulator 1; plus strand). Cytogenetic location: 20q11.21.
Variant type: single nucleotide variant.
Coding change: c.3866G>A on transcript NM_015338.6 (MANE Select); coding-DNA position 3866, G replaced by A.
Protein change: p.Arg1289Gln; replaces arginine 1289 with glutamine.
Molecular consequence: missense variant.
Genome position (GRCh38, 1-based): chr20:32,436,578, G>A. VCF-style: chr20-32436578-G-A. GRCh37 (hg19) VCF-style: chr20-31024381-G-A.
Other names: c.3683G>A, p.Arg1228Gln (NM_001363734.1); short protein forms R1289Q, R1228Q.
Identifiers: ClinVar variation 2167656 (VCV002167656.4), dbSNP rs755522655, ClinGen allele CA9808918.

ClinVar aggregate classification (germline): Uncertain significance (1 of 4 stars; one submission).

Allele frequency attached by ClinVar (database versions not stated): gnomAD exomes 0.00001; ExAC 0.00003.

Submission:

Labcorp Genetics (formerly Invitae), Labcorp
Classification: Uncertain significance. Last evaluated: 2024-10-31. Review status: criteria provided, single submitter. Criteria: Invitae Variant Classification Sherloc (09022015). Collection method: clinical testing. Allele origin: germline.
Comment: This sequence change replaces arginine, which is basic and polar, with glutamine, which is neutral and polar, at codon 1289 of the ASXL1 protein (p.Arg1289Gln). This variant is present in population databases (rs755522655, gnomAD 0.02%). This variant has not been reported in the literature in individuals affected with ASXL1-related conditions. ClinVar contains an entry for this variant (Variation ID: 2167656). An algorithm developed to predict the effect of missense changes on protein structure and function outputs the following: PolyPhen-2: "Benign". The glutamine amino acid residue is found in multiple mammalian species, which suggests that this missense change does not adversely affect protein function. In summary, the available evidence is currently insufficient to determine the role of this variant in disease. Therefore, it has been classified as a Variant of Uncertain Significance.